The following is an entry in ClinVar:

ClinVar aggregate classification (germline): Uncertain significance (1 of 4 stars; one submission).

Submission:

CeGaT Center for Human Genetics Tuebingen
Classification: Uncertain significance. Last evaluated: 2023-10-01. Review status: criteria provided, single submitter. Criteria: CeGaT Center For Human Genetics Tuebingen Variant Classification Criteria Version 2. Collection method: clinical testing. Allele origin: germline. Affected: yes. Observed: 1 variant allele.
Comment: BRPF1: PM2

NM_001003694.2(BRPF1):c.328A>G (p.Ile110Val)

Gene: BRPF1 (bromodomain and PHD finger containing 1; plus strand). Cytogenetic location: 3p25.3.
Variant type: single nucleotide variant.
Coding change: c.328A>G on transcript NM_001003694.2 (MANE Select); coding-DNA position 328, A replaced by G.
Protein change: p.Ile110Val; replaces isoleucine 110 with valine.
Molecular consequence: missense variant. On other transcripts: non-coding transcript variant (1).
Genome position (GRCh38, 1-based): chr3:9,734,468, A>G. VCF-style: chr3-9734468-A-G. GRCh37 (hg19) VCF-style: chr3-9776152-A-G.
Other names: c.328A>G, p.Ile110Val (NM_001319049.2, NM_001319050.2, NM_001410704.1 and 1 more transcripts); short protein forms I110V.
Identifiers: ClinVar variation 2672925 (VCV002672925.23), dbSNP rs2471446939, ClinGen allele CA351679874.